The following is an entry in ClinVar:

ClinVar aggregate classification (germline): Pathogenic (1 of 4 stars; one submission).

Conditions:
Autosomal recessive nonsyndromic hearing loss 7. Also called: DEAFNESS, AUTOSOMAL RECESSIVE 11. Identifiers: Orphanet 90636, MedGen C1832978, MONDO:0010967, OMIM 600974.

Submission:

King Laboratory, University of Washington
Classification: Pathogenic for Autosomal recessive nonsyndromic hearing loss 7. Last evaluated: 2020-08-01. Review status: criteria provided, single submitter. Criteria: Abu Rayyan A et al. (Proc Natl Acad Sci U S A 2020). Collection method: research. Allele origin: germline. Affected: yes.
Comment: TMC1 c.1184delA leads to a stop at codon 410. It is homozygous in 3 Palestinian children with severe pre-lingual hearing loss (Abu Rayyan 2020). It is absent from 1300 Palestinian controls and from gnomAD v2.1.1.

NM_138691.3(TMC1):c.1184del (p.Gln395fs)

Gene: TMC1 (transmembrane channel like 1; plus strand). Cytogenetic location: 9q21.13.
Variant type: Deletion.
Coding change: c.1184del on transcript NM_138691.3 (MANE Select); coding-DNA position 1184, one base deleted (A; older notation c.1184delA).
Protein change: p.Gln395fs; shifts the reading frame from glutamine 395.
Molecular consequence: frameshift variant.
Genome position (GRCh38, 1-based): chr9:72,789,277, A deleted. VCF-style (leftmost placement, unchanged base first): chr9-72789276-CA-C. GRCh37 (hg19) VCF-style: chr9-75404192-CA-C.
Other names: NM_138691.2:c.1184delA; short protein forms Q395fs.
Identifiers: ClinVar variation 1334111 (VCV001334111.2), dbSNP rs2118181420, ClinGen allele CA2573053187.